The following is an entry in ClinVar:

NM_032608.7(MYO18B):c.6640C>T (p.Gln2214Ter)

Gene: MYO18B (myosin XVIIIB; plus strand). Cytogenetic location: 22q12.1.
Variant type: single nucleotide variant.
Coding change: c.6640C>T on transcript NM_032608.7 (MANE Select); coding-DNA position 6640, C replaced by T.
Protein change: p.Gln2214Ter; replaces glutamine 2214 with a stop codon.
Molecular consequence: nonsense.
Genome position (GRCh38, 1-based): chr22:26,026,614, C>T. VCF-style: chr22-26026614-C-T. GRCh37 (hg19) VCF-style: chr22-26422580-C-T.
Other names: c.6643C>T, p.Gln2215Ter (NM_001318245.2); short protein forms Q2214*, Q2215*.
Identifiers: ClinVar variation 1517223 (VCV001517223.6), dbSNP rs2147016450, ClinGen allele CA411010480.

ClinVar aggregate classification (germline): Pathogenic (1 of 4 stars; one submission).

Submission:

Labcorp Genetics (formerly Invitae), Labcorp
Classification: Pathogenic. Last evaluated: 2022-09-19. Review status: criteria provided, single submitter. Criteria: Invitae Variant Classification Sherloc (09022015). Collection method: clinical testing. Allele origin: germline.
Comment: For these reasons, this variant has been classified as Pathogenic. ClinVar contains an entry for this variant (Variation ID: 1517223). This variant has not been reported in the literature in individuals affected with MYO18B-related conditions. This variant is not present in population databases (gnomAD no frequency). This sequence change creates a premature translational stop signal (p.Gln2214*) in the MYO18B gene. It is expected to result in an absent or disrupted protein product. Loss-of-function variants in MYO18B are known to be pathogenic (PMID: 25748484, 32184166, 32637634).

Literature cited by the submitters: PubMed 25748484; PubMed 32184166; PubMed 32637634.